The following is an entry in ClinVar:

NM_025243.4(SLC19A3):c.383A>G (p.Tyr128Cys)

Gene: SLC19A3 (solute carrier family 19 member 3; minus strand). Cytogenetic location: 2q36.3.
Variant type: single nucleotide variant.
Coding change: c.383A>G on transcript NM_025243.4 (MANE Select); coding-DNA position 383, A replaced by G.
Protein change: p.Tyr128Cys; replaces tyrosine 128 with cysteine.
Molecular consequence: missense variant.
Genome position (GRCh38, 1-based): chr2:227,699,332, T>C on the plus strand (A>G on the coding strand, the complement: SLC19A3 is on the minus strand). VCF-style: chr2-227699332-T-C. GRCh37 (hg19) VCF-style: chr2-228564048-T-C.
Other names: c.383A>G, p.Tyr128Cys (NM_001371411.1, NM_001371412.1); c.371A>G, p.Tyr124Cys (NM_001371413.1, NM_001371414.1); c.383A>G (NM_025243.3); short protein forms Y124C, Y128C.
Identifiers: ClinVar variation 1005754 (VCV001005754.7), dbSNP rs770685804, ClinGen allele CA2149311.

ClinVar aggregate classification (germline): Uncertain significance. Review status: criteria provided, multiple submitters, no conflicts (2 of 4 stars). 4 submissions from 4 submitters: Uncertain significance (2). 2 of the submissions do not count toward it. Last evaluated 2026-05-27.

Conditions:
Biotin-responsive basal ganglia disease (BTBGD). Also called: Thiamine metabolism dysfunction syndrome type 2; Thiamine metabolism dysfunction syndrome 2 (biotin- or thiamine-responsive encephalopathy type 2); thiamine-responsive encephalopathy; THIAMINE METABOLISM DYSFUNCTION SYNDROME 2 (BIOTIN- AND THIAMINE-RESPONSIVE TYPE); Thiamine Transporter-2 Deficiency. Identifiers: Orphanet 199348, Orphanet 65284, MedGen C1843807, MONDO:0011841, OMIM 607483.

Allele frequency attached by ClinVar (database versions not stated): TOPMed 0.00002; gnomAD exomes 0.00010 and 0.00013; gnomAD 0.00001 and 0.00003; ExAC 0.00012.
gnomAD v4.1: 144 of 1,614,054 alleles (0.0089%); highest among the groups gnomAD compares: South Asian, 0.097%; 1 homozygote.

Submissions (4):

GeneDx
Classification: Uncertain significance. Last evaluated: 2026-05-27. Review status: criteria provided, single submitter. Criteria: GeneDx Variant Classification Process June 2021. Collection method: clinical testing. Allele origin: germline.
Comment: In silico analysis supports that this missense variant has a deleterious effect on protein structure/function; Has not been previously published as pathogenic or benign in association with a neurodevelopmental disorder to our knowledge; This variant is associated with the following publications: (PMID: 28402605)

Labcorp Genetics (formerly Invitae), Labcorp
Classification: Uncertain significance for Biotin-responsive basal ganglia disease. Last evaluated: 2022-08-16. Review status: criteria provided, single submitter. Criteria: Invitae Variant Classification Sherloc (09022015). Collection method: clinical testing. Allele origin: germline.
Comment: This sequence change replaces tyrosine, which is neutral and polar, with cysteine, which is neutral and slightly polar, at codon 128 of the SLC19A3 protein (p.Tyr128Cys). This variant is present in population databases (rs770685804, gnomAD 0.1%). This variant has not been reported in the literature in individuals affected with SLC19A3-related conditions. ClinVar contains an entry for this variant (Variation ID: 1005754). Advanced modeling of protein sequence and biophysical properties (such as structural, functional, and spatial information, amino acid conservation, physicochemical variation, residue mobility, and thermodynamic stability) performed at Invitae indicates that this missense variant is expected to disrupt SLC19A3 protein function. In summary, the available evidence is currently insufficient to determine the role of this variant in disease. Therefore, it has been classified as a Variant of Uncertain Significance.

Clinical Genetics DNA and cytogenetics Diagnostics Lab, Erasmus MC, Erasmus Medical Center
Classification: Uncertain significance. Review status: no assertion criteria provided. Collection method: clinical testing. Allele origin: germline. Affected: yes. Study: VKGL Data-share Consensus. Not counted in ClinVar's aggregate classification.

Diagnostic Laboratory, Department of Genetics, University Medical Center Groningen
Classification: Uncertain significance. Review status: no assertion criteria provided. Collection method: clinical testing. Allele origin: germline. Affected: yes. Study: VKGL Data-share Consensus. Not counted in ClinVar's aggregate classification.